The following is an entry in ClinVar:

ClinVar aggregate classification (germline): Pathogenic (1 of 4 stars; one submission).

Submission:

GeneDx
Classification: Pathogenic. Last evaluated: 2016-03-28. Review status: criteria provided, single submitter. Criteria: GeneDx Variant Classification (06012015). Collection method: clinical testing. Allele origin: germline. Affected: yes.
Comment: The Y2040X pathogenic variant in the ARID1B gene has not been reported previously as a pathogenic variant nor as a benign variant, to our knowledge. However, a different pathogenic variant (c.6120C>G) resulting in the same nonsense substitution (Y2040X) has been reported in a patient with Coffin-Siris syndrome (Tsurusaki et al., 2014) This variant is predicted to cause loss of normal protein function through protein truncation. The Y2040X variant was not observed in approximately 6500 individuals of European and African American ancestry in the NHLBI Exome Sequencing Project, indicating it is not a common benign variant in these populations. We interpret Y2040X as a pathogenic variant.

NM_001374828.1(ARID1B):c.6489_6499delinsGACTTG (p.Tyr2163_Ile2167delinsTer)

Gene: ARID1B (AT-rich interaction domain 1B; plus strand). Cytogenetic location: 6q25.3.
Variant type: Indel.
Coding change: c.6489_6499delinsGACTTG on transcript NM_001374828.1 (MANE Select); coding-DNA positions 6489 to 6499, CACGGAAAGCA replaced by GACTTG.
Protein change: p.Tyr2163_Ile2167delinsTer.
Molecular consequence: nonsense.
Genome position (GRCh38, 1-based): chr6:157,207,261-157,207,271, CACGGAAAGCA replaced by GACTTG. VCF-style: chr6-157207261-CACGGAAAGCA-GACTTG. GRCh37 (hg19) VCF-style: chr6-157528395-CACGGAAAGCA-GACTTG.
Other names: c.6120_6130delCACGGAAAGCAinsGACTTG (NM_020732.3); c.3990_4000delinsGACTTG, p.Tyr1330_Ile1334delinsTer (NM_001363725.2); c.6369_6379delinsGACTTG, p.Tyr2123_Ile2127delinsTer (NM_001371656.1, NM_001374820.1); c.6330_6340delinsGACTTG, p.Tyr2110_Ile2114delinsTer (NM_017519.3).
Identifiers: ClinVar variation 280464 (VCV000280464.2), dbSNP rs886041665, ClinGen allele CA10603006.
Genomic context (GRCh38, chr6:157,207,261, plus strand): 5'-GAGGGATAACACGTTGGTCACGTTGGCCAACATTTCCGGGCAGCTAGACTTGTCTGCTTA[CACGGAAAGCA>GACTTG]TCTGCTTGCCAATTTTGGATGGCTTGCTGCACTGGATGGTGTGCCCGTCTGCAGAGGCAC-3'